The following is an entry in ClinVar:

ClinVar aggregate classification (germline): Pathogenic. Review status: criteria provided, multiple submitters, no conflicts (2 of 4 stars). 4 submissions from 4 submitters: Pathogenic (4). Last evaluated 2025-06-15.

Conditions:
Hereditary cancer-predisposing syndrome. Also called: Neoplastic Syndromes, Hereditary; Tumor predisposition; Hereditary neoplastic syndrome; Hereditary Cancer Syndrome. Identifiers: Orphanet 140162, MedGen C0027672, MeSH D009386, MONDO:0015356.
Lynch syndrome 5 (LYNCH5). Also called: Colorectal cancer, hereditary nonpolyposis, type 5; Hereditary non-polyposis colorectal cancer, type 5. Identifiers: Orphanet 144, MedGen C1833477, MONDO:0013710, OMIM 614350. Disease mechanism: loss of function.

Submissions (4):

Catlab - Consorci Sanitari de Terrassa
Classification: Pathogenic for Hereditary cancer-predisposing syndrome. Last evaluated: 2025-06-15. Review status: criteria provided, single submitter. Criteria: ClinGen CRC ACMG Specifications MSH6 V1.0.0. Collection method: clinical testing. Allele origin: germline.
Comment: Based on currently available information, this variant should be considered as Pathogenic according to ClinGen-MSH6 v1.0.0 guidelines. PVS1, PM2_supp, PP4.

Hereditary Cancer Laboratory, Hospital Universitario 12 de Octubre
Classification: Pathogenic for Hereditary cancer-predisposing syndrome. Last evaluated: 2024-08-08. Review status: criteria provided, single submitter. Criteria: ACMG Guidelines, 2015. Collection method: clinical testing. Allele origin: germline.
Comment: PVS1+PM2+PP5

Myriad Genetics, Inc.
Classification: Pathogenic for Lynch syndrome 5. Last evaluated: 2023-08-10. Review status: criteria provided, single submitter. Criteria: Myriad Autosomal Dominant, Autosomal Recessive and X-Linked Classification Criteria (2023). Collection method: clinical testing. Allele origin: unknown.
Comment: This variant is considered pathogenic. This variant creates a termination codon and is predicted to result in premature protein truncation.

Ambry Genetics
Classification: Pathogenic for Hereditary cancer-predisposing syndrome. Last evaluated: 2019-07-23. Review status: criteria provided, single submitter. Criteria: Ambry Variant Classification Scheme 2023. Collection method: clinical testing. Allele origin: germline.
Comment: The c.762dupT pathogenic mutation (also known as p.E255*), located in coding exon 4 of the MSH6 gene, results from a duplication of T at nucleotide position 762. This changes the amino acid from a glutamic acid to a stop codon within coding exon X. This alteration is expected to result in loss of function by premature protein truncation or nonsense-mediated mRNA decay. As such, this alteration is interpreted as a disease-causing mutation.

NM_000179.3(MSH6):c.762dup (p.Glu255Ter)

Gene: MSH6 (mutS homolog 6; plus strand). Cytogenetic location: 2p16.3.
Variant type: Duplication.
Coding change: c.762dup on transcript NM_000179.3 (MANE Select); coding-DNA position 762, one base duplicated (T; older notation c.762dupT).
Protein change: p.Glu255Ter; replaces glutamic acid 255 with a stop codon.
Molecular consequence: nonsense. On other transcripts: 5 prime UTR variant (2).
Genome position (GRCh38, 1-based): chr2:47,798,745, T duplicated. VCF-style (leftmost placement, unchanged base first): chr2-47798744-C-CT. GRCh37 (hg19) VCF-style: chr2-48025883-C-CT.
Other names: c.372dup, p.Glu125Ter (NM_001281492.2); c.-145dup (NM_001281493.2, NM_001281494.2); short protein forms E125*, E255*.
Identifiers: ClinVar variation 827161 (VCV000827161.7), dbSNP rs1572720288, ClinGen allele CA915943802.